The following is an entry in ClinVar:

NM_020937.4(FANCM):c.2692A>G (p.Lys898Glu)

Gene: FANCM (FA complementation group M; plus strand). Cytogenetic location: 14q21.2.
Variant type: single nucleotide variant.
Coding change: c.2692A>G on transcript NM_020937.4 (MANE Select); coding-DNA position 2692, A replaced by G.
Protein change: p.Lys898Glu; replaces lysine 898 with glutamic acid.
Molecular consequence: missense variant.
Genome position (GRCh38, 1-based): chr14:45,175,446, A>G. VCF-style: chr14-45175446-A-G. GRCh37 (hg19) VCF-style: chr14-45644649-A-G.
Other names: c.2614A>G, p.Lys872Glu (NM_001308133.2); c.2692A>G (NM_020937.2); short protein forms K872E, K898E.
Identifiers: ClinVar variation 1023537 (VCV001023537.9), dbSNP rs747219710, ClinGen allele CA7169390.

ClinVar aggregate classification (germline): Uncertain significance. Review status: criteria provided, multiple submitters, no conflicts (2 of 4 stars). 2 submissions from 2 submitters: Uncertain significance (2). Last evaluated 2025-11-10.

Conditions:
Inborn genetic diseases. Identifiers: MedGen C0950123, MeSH D030342.
Fanconi anemia (FA). Also called: Fanconi's anemia. Identifiers: Orphanet 84, MedGen C0015625, MeSH D005199, MONDO:0019391.

Allele frequency attached by ClinVar (database versions not stated): ExAC 0.00001; gnomAD exomes 0.00001 and 0.00002.
gnomAD v4.1: 11 of 1,599,214 alleles (0.00069%); highest among the groups gnomAD compares: South Asian, 0.013%; no homozygotes.

Submissions (2):

Ambry Genetics
Classification: Uncertain significance for Inborn genetic diseases. Last evaluated: 2025-11-10. Review status: criteria provided, single submitter. Criteria: Ambry Variant Classification Scheme 2023. Collection method: clinical testing. Allele origin: germline.
Comment: The p.K898E variant (also known as c.2692A>G), located in coding exon 14 of the FANCM gene, results from an A to G substitution at nucleotide position 2692. The lysine at codon 898 is replaced by glutamic acid, an amino acid with similar properties. This amino acid position is conserved. In addition, this alteration is predicted to be tolerated by in silico analysis. Based on the available evidence, the clinical significance of this variant remains unclear.

Labcorp Genetics (formerly Invitae), Labcorp
Classification: Uncertain significance for Fanconi anemia. Last evaluated: 2023-04-22. Review status: criteria provided, single submitter. Criteria: Invitae Variant Classification Sherloc (09022015). Collection method: clinical testing. Allele origin: germline.
Comment: This variant is present in population databases (rs747219710, gnomAD 0.01%). This sequence change replaces lysine, which is basic and polar, with glutamic acid, which is acidic and polar, at codon 898 of the FANCM protein (p.Lys898Glu). In summary, the available evidence is currently insufficient to determine the role of this variant in disease. Therefore, it has been classified as a Variant of Uncertain Significance. Algorithms developed to predict the effect of missense changes on protein structure and function output the following: SIFT: "Not Available"; PolyPhen-2: "Benign"; Align-GVGD: "Not Available". The glutamic acid amino acid residue is found in multiple mammalian species, which suggests that this missense change does not adversely affect protein function. ClinVar contains an entry for this variant (Variation ID: 1023537). This variant has not been reported in the literature in individuals affected with FANCM-related conditions.